The following is an entry in ClinVar:

NM_003665.3(FCN3):c.-9C>T

Gene: FCN3 (ficolin 3; minus strand). Cytogenetic location: 1p36.11.
Variant type: single nucleotide variant.
Coding change: c.-9C>T on transcript NM_003665.3; 9 bases upstream of the start codon, C replaced by T.
Genome position (GRCh38, 1-based): chr1:27,374,827, G>A on the plus strand (C>T on the coding strand, the complement: FCN3 is on the minus strand). VCF-style: chr1-27374827-G-A. GRCh37 (hg19) VCF-style: chr1-27701318-G-A.
Identifiers: ClinVar variation 4987860 (VCV004987860.1).

ClinVar aggregate classification (germline): Likely benign (1 of 4 stars; one submission).

Conditions:
FCN3-related disorder. Also called: FCN3-related condition.

Submission:

PreventionGenetics, part of Exact Sciences
Classification: Likely benign for FCN3-related condition. Last evaluated: 2025-01-28. Review status: criteria provided, single submitter. Criteria: ACMG Guidelines, 2015. Collection method: clinical testing. Allele origin: germline.
Comment: This variant is classified as likely benign based on ACMG/AMP sequence variant interpretation guidelines (Richards et al. 2015 PMID: 25741868, with internal and published modifications).